The following is an entry in ClinVar:

ClinVar aggregate classification (germline): Pathogenic. Review status: criteria provided, single submitter (1 of 4 stars). 3 submissions from 2 submitters: Pathogenic (1). 2 of the submissions do not count toward it. Last evaluated 2019-07-10.

Conditions:
Autosomal recessive amelia. Identifiers: Orphanet 1027, MedGen C1832432, MONDO:0011054, OMIM 601360.
Absence of the sacrum. Also called: Agenesis of sacrum; Sacral agenesis. Identifiers: MedGen C0344490, HP:0010305.
Hypoplastic left heart syndrome. Also called: Hypoplastic left ventricle; Hypoplastic left heart. Identifiers: Orphanet 2248, MedGen C0152101, MONDO:0004933, HP:0004383.
Aplasia/hypoplasia involving bones of the lower limbs. Identifiers: MedGen C4025037, HP:0006493.
Pulmonary hypoplasia. Identifiers: MedGen C0265783, MONDO:0800133, HP:0002089.
Hydroureter. Identifiers: MedGen C0521620, HP:0000072.
Hydronephrosis. Identifiers: MedGen C0020295, MONDO:0005510, HP:0000126.
Coxopodopatellar syndrome. Also called: SCOTT-TAOR SYNDROME; ISCHIOCOXOPODOPATELLAR SYNDROME WITH OR WITHOUT PULMONARY ARTERIAL HYPERTENSION; ISCHIOCOXOPODOPATELLAR SYNDROME; PATELLA APLASIA, COXA VARA, AND TARSAL SYNOSTOSIS; Congenital coxa vara, patella aplasia and tarsal synostosis; Small patella syndrome. Identifiers: Orphanet 1509, MedGen C1840061, MONDO:0007841, OMIM 147891.

Submissions (3):

Department of Medical Genetics, Nizam's Institute of Medical Sciences
Classification: Pathogenic for Aplasia/hypoplasia involving bones of the lower limbs; Absence of the sacrum; Pulmonary hypoplasia; Hypoplastic left heart syndrome; Hydronephrosis; Hydroureter. Last evaluated: 2019-07-10. Review status: criteria provided, single submitter. Criteria: ACMG Guidelines, 2015. Collection method: clinical testing. Allele origin: inherited. Inheritance: Autosomal recessive inheritance. Affected: yes. Observed: 1 homozygote.
Comment: Monoallelic variants in the TBX4 gene are reported to be associated with skeletal defects of the pelvis and lower limbs. Both partners were confirmed to be heterozygous carriers. While the mother could not be evaluated in detail; We propose that this biallelic variant in the TBX4 gene may be associated with this severe syndromic phenotype of sacrococcygeal agenesis and lower limb reduction defects.

OMIM
Classification: Pathogenic for AMELIA, POSTERIOR, WITH PELVIC AND PULMONARY HYPOPLASIA SYNDROME. Last evaluated: 2020-08-04. Review status: no assertion criteria provided. Collection method: literature only. Allele origin: germline. Not counted in ClinVar's aggregate classification.

OMIM
Classification: Pathogenic for ISCHIOCOXOPODOPATELLAR SYNDROME WITH OR WITHOUT PULMONARY ARTERIAL HYPERTENSION. Last evaluated: 2020-08-04. Review status: no assertion criteria provided. Collection method: literature only. Allele origin: germline. Not counted in ClinVar's aggregate classification.

Literature cited by the submitters: PubMed 31965066 (cited by OMIM).

NM_001321120.2(TBX4):c.402G>A (p.Trp134Ter)

Gene: TBX4 (T-box transcription factor 4; plus strand). Cytogenetic location: 17q23.2.
Variant type: single nucleotide variant.
Coding change: c.402G>A on transcript NM_001321120.2 (MANE Select); coding-DNA position 402, G replaced by A.
Protein change: p.Trp134Ter; replaces tryptophan 134 with a stop codon.
Molecular consequence: nonsense.
Genome position (GRCh38, 1-based): chr17:61,467,510, G>A. VCF-style: chr17-61467510-G-A. GRCh37 (hg19) VCF-style: chr17-59544871-G-A.
Other names: c.402G>A, p.Trp134Ter (NM_018488.3, LRG_1206t1); short protein forms W134*.
Identifiers: ClinVar variation 638159 (VCV000638159.4), dbSNP rs1603251494, ClinGen allele CA400471358.